The following is an entry in ClinVar:

NM_001267550.2(TTN):c.82773G>A (p.Trp27591Ter)

Genes: TTN (titin; minus strand), TTN-AS1 (TTN antisense RNA 1; plus strand). Cytogenetic location: 2q31.2.
Variant type: single nucleotide variant.
Coding change: c.82773G>A on transcript NM_001267550.2 (MANE Select); coding-DNA position 82773, G replaced by A.
Protein change: p.Trp27591Ter; replaces tryptophan 27591 with a stop codon.
Molecular consequence: nonsense.
Genome position (GRCh38, 1-based): chr2:178,563,359, C>T on the plus strand (G>A on the coding strand, the complement: TTN is on the minus strand). VCF-style: chr2-178563359-C-T. GRCh37 (hg19) VCF-style: chr2-179428086-C-T.
Other names: c.75069G>A, p.Trp25023Ter (NM_133378.4); c.77850G>A, p.Trp25950Ter (NM_001256850.1); c.55578G>A, p.Trp18526Ter (NM_003319.4); c.55953G>A, p.Trp18651Ter (NM_133432.3); c.56154G>A, p.Trp18718Ter (NM_133437.4); short protein forms W25023*, W27591*, W18651*, W18718*, W18526*, W25950*.
Identifiers: ClinVar variation 180014 (VCV000180014.5), dbSNP rs727505288, ClinGen allele CA273672.
Genomic context (GRCh38, chr2:178,563,359, plus strand): 5'-TTCTTTGACCTCTACAACATAGCCTTTAACAGGTGCGCCACCATCATAAATTGGCTTACT[C>T]CATGCCAGGGAGACAGAAGATCTGGAAGTGTCCGTCACTTTTGGATTGCTTGGGGGACCT-3'

ClinVar aggregate classification (germline): Likely pathogenic (1 of 4 stars; one submission).

Conditions:
Primary dilated cardiomyopathy (DCM). Also called: Dilated Cardiomyopathy. Identifiers: Orphanet 217604, MedGen C0007193, MeSH D002311, MONDO:0005021, HP:0001644. Inheritance: Various modes of inheritance.

Submission:

Laboratory for Molecular Medicine, Mass General Brigham Personalized Medicine
Classification: Likely pathogenic for Primary dilated cardiomyopathy. Last evaluated: 2014-10-02. Review status: criteria provided, single submitter. Criteria: LMM Criteria. Collection method: clinical testing. Allele origin: germline. Inheritance: Autosomal dominant inheritance. Observed: 2 variant alleles.
Comment: The p.Trp25023X variant in TTN has not been previously reported in individuals w ith cardiomyopathy or in large population studies. This nonsense variant leads t o a premature termination codon at position 25023, which is predicted to lead to a truncated or absent protein. Nonsense and other truncating variants in TTN ar e strongly associated with DCM and the majority occur in the A-band (Herman 2012 , Pugh 2014), where this variant is located. In summary, although additional stu dies are required to fully establish its clinical significance, the Trp25023X va riant is likely pathogenic.